The following is an entry in ClinVar:

ClinVar aggregate classification (germline): Likely benign (1 of 4 stars; one submission).

Conditions:
Wilms tumor 1 (WT1). Also called: Wilms tumor, somatic. Identifiers: Orphanet 654, MedGen CN033288, MONDO:0008679, OMIM 194070.

Allele frequency attached by ClinVar (database versions not stated): gnomAD 0.00001.
gnomAD v4.1: 1 of 1,603,610 alleles (0.000062%); no homozygotes.

Submission:

All of Us Research Program, National Institutes of Health
Classification: Likely benign for Wilms tumor 1. Last evaluated: 2023-06-26. Review status: criteria provided, single submitter. Criteria: ACMG Guidelines, 2015. Collection method: clinical testing. Allele origin: germline. Inheritance: Autosomal dominant inheritance. Observed: 1 variant allele, 1 heterozygote.
Comment: This study involves interpretation of variants in research participants for the purpose of population health screening. Participant phenotype was not available at the time of variant classification. Additional details can be found in publication PMID: 35346344, PMCID: PMC8962531

NM_024426.6(WT1):c.792G>A (p.Gln264=)

Gene: WT1 (WT1 transcription factor; minus strand). Cytogenetic location: 11p13.
Variant type: single nucleotide variant.
Coding change: c.792G>A on transcript NM_024426.6 (MANE Select); coding-DNA position 792, G replaced by A.
Protein change: p.Gln264=; no amino-acid change (glutamine 264 retained).
Molecular consequence: synonymous variant. On other transcripts: non-coding transcript variant (2).
Genome position (GRCh38, 1-based): chr11:32,428,051, C>T on the plus strand (G>A on the coding strand, the complement: WT1 is on the minus strand). VCF-style: chr11-32428051-C-T. GRCh37 (hg19) VCF-style: chr11-32449597-C-T.
Other names: c.792G>A, p.Gln264= (NM_000378.6, NM_001407044.1, NM_001407045.1 and 4 more transcripts); c.141G>A, p.Gln47= (NM_001198551.2, NM_001198552.2); c.669G>A, p.Gln223= (NM_001407047.1, NM_001407050.1); c.30G>A, p.Gln10= (NM_001407051.1); c.573G>A, p.Gln191= (NM_001429031.1, NM_001429032.1, NM_001429033.1 and 1 more transcripts); c.777G>A, p.Gln259= (NM_024425.2).
Identifiers: ClinVar variation 3072067 (VCV003072067.1), dbSNP rs1853121554, ClinGen allele CA473569793.